The following is an entry in ClinVar:

NM_004946.3(DOCK2):c.1105G>A (p.Ala369Thr)

Gene: DOCK2 (dedicator of cytokinesis 2; plus strand). Cytogenetic location: 5q35.1.
Variant type: single nucleotide variant.
Coding change: c.1105G>A on transcript NM_004946.3 (MANE Select); coding-DNA position 1105, G replaced by A.
Protein change: p.Ala369Thr; replaces alanine 369 with threonine.
Molecular consequence: missense variant. On other transcripts: non-coding transcript variant (1).
Genome position (GRCh38, 1-based): chr5:169,699,431, G>A. VCF-style: chr5-169699431-G-A. GRCh37 (hg19) VCF-style: chr5-169126435-G-A.
Other names: short protein forms A369T.
Identifiers: ClinVar variation 1435452 (VCV001435452.4), dbSNP rs757764644, ClinGen allele CA3553363.
Genomic context (GRCh38, chr5:169,699,431, plus strand): 5'-TTCCTTTCCAGGGTTACAGCTGAGAATGACTTCCTACACAGCCTGCTGGGCAAAGTCATA[G>A]CCTCCAAGGGGGACAGTGGAGGGCAAGGTAAAGTGCCAATATGCCAGTGGGCTGAGCCTG-3'
Protein context (NP_004937.1, residues 359-379): FLHSLLGKVI[Ala369Thr]SKGDSGGQGL

ClinVar aggregate classification (germline): Uncertain significance (1 of 4 stars; one submission).

Conditions:
DOCK2 deficiency. Also called: Immunodeficiency 40. Identifiers: Orphanet 447737, MedGen C4225328, MONDO:0014637, OMIM 616433.

Allele frequency attached by ClinVar (database versions not stated): gnomAD exomes 0.00002 and 0.00012; TOPMed 0.00005; ExAC 0.00010.
gnomAD v4.1: 35 of 1,613,418 alleles (0.0022%); highest among the groups gnomAD compares: Admixed American, 0.057%; no homozygotes.

Submission:

Labcorp Genetics (formerly Invitae), Labcorp
Classification: Uncertain significance for DOCK2 deficiency. Last evaluated: 2024-11-18. Review status: criteria provided, single submitter. Criteria: Invitae Variant Classification Sherloc (09022015). Collection method: clinical testing. Allele origin: germline.
Comment: This sequence change replaces alanine, which is neutral and non-polar, with threonine, which is neutral and polar, at codon 369 of the DOCK2 protein (p.Ala369Thr). This variant is present in population databases (rs757764644, gnomAD 0.09%). This variant has not been reported in the literature in individuals affected with DOCK2-related conditions. ClinVar contains an entry for this variant (Variation ID: 1435452). An algorithm developed to predict the effect of missense changes on protein structure and function outputs the following: PolyPhen-2: "Benign". The threonine amino acid residue is found in multiple mammalian species, which suggests that this missense change does not adversely affect protein function. In summary, the available evidence is currently insufficient to determine the role of this variant in disease. Therefore, it has been classified as a Variant of Uncertain Significance.